The following is an entry in ClinVar:

ClinVar aggregate classification (germline): Uncertain significance. Review status: criteria provided, multiple submitters, no conflicts (2 of 4 stars). 6 submissions from 5 submitters: Uncertain significance (4). 2 of the submissions do not count toward it. Last evaluated 2026-06-15.

Conditions:
Bardet-Biedl syndrome 18 (BBS18). Identifiers: Orphanet 110, MedGen C3806174, MONDO:0014446, OMIM 615995.
BBIP1-related disorder. Also called: BBIP1-related condition.

Allele frequency attached by ClinVar (database versions not stated): gnomAD exomes 0.00009 and 0.00011; gnomAD 0.00013; ExAC 0.00014; TOPMed 0.00014.
gnomAD v4.1: 148 of 1,523,994 alleles (0.0097%); highest among the groups gnomAD compares: Admixed American, 0.025%; no homozygotes.

Submissions (6):

PreventionGenetics, part of Exact Sciences
Classification: Uncertain significance for BBIP1-related condition. Last evaluated: 2026-06-15. Review status: criteria provided, single submitter. Criteria: ACMG Guidelines, 2015. Collection method: clinical testing. Allele origin: germline.
Comment: The BBIP1 c.38-6T>C variant is predicted to interfere with splicing. This variant has been reported in individuals with Bardet-Biedl syndrome and RT-PCR shows this variant results in exon skipping (Table S1, Shamseldin et al. 2020. PubMed ID: 32055034; Table S7, Maddirevula et al. 2020. PubMed ID: 32552793; Table S7, Al Abdi et al. 2023. PubMed ID: 37644014). This variant is reported in 0.028% of alleles in individuals of Latino descent in gnomAD. Although we suspect that this variant may be pathogenic, at this time, the clinical significance of this variant is uncertain due to the absence of conclusive functional and genetic evidence.

Labcorp Genetics (formerly Invitae), Labcorp
Classification: Uncertain significance. Last evaluated: 2025-12-08. Review status: criteria provided, single submitter. Criteria: Invitae Variant Classification Sherloc (09022015). Collection method: clinical testing. Allele origin: germline.
Comment: This sequence change falls in intron 2 of the BBIP1 gene. It does not directly change the encoded amino acid sequence of the BBIP1 protein. This variant is present in population databases (rs541703290, gnomAD 0.03%). This variant has been observed in individual(s) with Bardet-Biedl syndrome (PMID: 32055034). ClinVar contains an entry for this variant (Variation ID: 917917). Studies have shown that this variant is associated with altered splicing, but the impact on the resulting protein product is unknown (PMID: 32055034, 32552793). In summary, the available evidence is currently insufficient to determine the role of this variant in disease. Therefore, it has been classified as a Variant of Uncertain Significance.

Blueprint Genetics
Classification: Uncertain significance. Last evaluated: 2024-06-18. Review status: criteria provided, single submitter. Criteria: ACMG Guidelines, 2015. Collection method: clinical testing. Allele origin: germline.

Genomic Medicine Center of Excellence, King Faisal Specialist Hospital and Research Centre
Classification: Uncertain significance for Bardet-Biedl syndrome 18. Last evaluated: 2024-03-17. Review status: criteria provided, single submitter. Criteria: ACMG Guidelines, 2015. Collection method: research. Allele origin: germline.

OMIM
Classification: Pathogenic for BARDET-BIEDL SYNDROME 18. Last evaluated: 2024-05-02. Review status: no assertion criteria provided. Collection method: literature only. Allele origin: germline. Not counted in ClinVar's aggregate classification.

Genomic Medicine Center of Excellence, King Faisal Specialist Hospital and Research Centre
Classification: Pathogenic for Bardet-Biedl syndrome 18. Review status: flagged submission. Collection method: research. Allele origin: germline. Affected: yes. Not counted in ClinVar's aggregate classification.
ClinVar note: Reason: This record appears to be redundant with a more recent record from the same submitter.
ClinVar note: Notes: SCV001338707 appears to be redundant with SCV004805113.

Literature cited by the submitters: PubMed 32055034 (cited by Labcorp Genetics (formerly Invitae), Labcorp and OMIM); PubMed 32552793 (cited by Labcorp Genetics (formerly Invitae), Labcorp).

NM_001195305.3(BBIP1):c.38-6T>C

Gene: BBIP1 (BBSome interacting protein 1; minus strand). Cytogenetic location: 10q25.2.
Variant type: single nucleotide variant.
Coding change: c.38-6T>C on transcript NM_001195305.3 (MANE Select); 6 bases into the intron before coding-DNA position 38, T replaced by C.
Molecular consequence: intron variant.
Genome position (GRCh38, 1-based): chr10:110,901,618, A>G on the plus strand (T>C on the coding strand, the complement: BBIP1 is on the minus strand). VCF-style: chr10-110901618-A-G. GRCh37 (hg19) VCF-style: chr10-112661376-A-G.
Other names: NT38, T-C, -6; c.38-6T>C (NM_001195306.2); c.-29-6T>C (NM_001243783.3); c.38-1092T>C (NM_001195307.2); c.195-6T>C (NM_001195304.2).
Identifiers: ClinVar variation 917917 (VCV000917917.13), dbSNP rs541703290, ClinGen allele CA5689330.